The following is an entry in ClinVar:

NM_001164508.2(NEB):c.6709_6710del (p.Tyr2237fs)

Gene: NEB (nebulin; minus strand). Cytogenetic location: 2q23.3.
Variant type: Microsatellite.
Coding change: c.6709_6710del on transcript NM_001164508.2 (MANE Select); coding-DNA positions 6709 to 6710, 2 bases deleted (TA; older notation c.6709_6710delTA).
Protein change: p.Tyr2237fs; shifts the reading frame from tyrosine 2237.
Molecular consequence: frameshift variant.
Genome position (GRCh38, 1-based): chr2:151,655,367-151,655,368, TA deleted on the plus strand (TA on the coding strand, the reverse complement: NEB is on the minus strand); deleting any 2 consecutive bases within chr2:151,655,367-151,655,370 gives the same sequence; the c. name uses the placement nearest the transcript's 3' end. VCF-style (leftmost placement, unchanged base first): chr2-151655366-GTA-G. GRCh37 (hg19) VCF-style: chr2-152511880-GTA-G.
Other names: c.6709_6710del, p.Tyr2237fs (NM_001164507.2, NM_001271208.2, NM_004543.5); short protein forms Y2237fs.
Identifiers: ClinVar variation 2069744 (VCV002069744.4), dbSNP rs770238157, ClinGen allele CA1910021.

ClinVar aggregate classification (germline): Pathogenic (1 of 4 stars; one submission).

Conditions:
Nemaline myopathy 2 (NEM2). Also called: Nemaline myopathy 2, autosomal recessive. Identifiers: MedGen C1850569, MONDO:0009725, OMIM 256030.

Submission:

Labcorp Genetics (formerly Invitae), Labcorp
Classification: Pathogenic for Nemaline myopathy 2. Last evaluated: 2022-01-25. Review status: criteria provided, single submitter. Criteria: Invitae Variant Classification Sherloc (09022015). Collection method: clinical testing. Allele origin: germline.
Comment: This variant is present in population databases (rs770238157, gnomAD 0.0009%). This sequence change creates a premature translational stop signal (p.Tyr2237Hisfs*3) in the NEB gene. It is expected to result in an absent or disrupted protein product. Loss-of-function variants in NEB are known to be pathogenic (PMID: 25205138). This variant has not been reported in the literature in individuals affected with NEB-related conditions. For these reasons, this variant has been classified as Pathogenic.

Literature cited by the submitters: PubMed 25205138.